The following is an entry in ClinVar:

ClinVar aggregate classification (germline): Uncertain significance. Review status: criteria provided, multiple submitters, no conflicts (2 of 4 stars). 4 submissions from 4 submitters: Uncertain significance (4). Last evaluated 2025-03-07.

Conditions:
SLX4-related disorder. Also called: SLX4-related condition.
Fanconi anemia (FA). Also called: Fanconi's anemia. Identifiers: Orphanet 84, MedGen C0015625, MeSH D005199, MONDO:0019391.
Inborn genetic diseases. Identifiers: MedGen C0950123, MeSH D030342.
Fanconi anemia complementation group P. Also called: SLX4-Related Fanconi Anemia. Identifiers: Orphanet 84, MedGen C3469542, MONDO:0013499, OMIM 613951.

Allele frequency attached by ClinVar (database versions not stated): TOPMed below 0.00001; ExAC 0.00001; gnomAD exomes 0.00001.
gnomAD v4.1: 5 of 1,613,954 alleles (0.00031%); highest among the groups gnomAD compares: Non-Finnish European, 0.00042%; no homozygotes.

Submissions (4):

Ambry Genetics
Classification: Uncertain significance for Inborn genetic diseases. Last evaluated: 2025-03-07. Review status: criteria provided, single submitter. Criteria: Ambry Variant Classification Scheme 2023. Collection method: clinical testing. Allele origin: germline.

Labcorp Genetics (formerly Invitae), Labcorp
Classification: Uncertain significance for Fanconi anemia. Last evaluated: 2024-05-08. Review status: criteria provided, single submitter. Criteria: Invitae Variant Classification Sherloc (09022015). Collection method: clinical testing. Allele origin: germline.
Comment: This sequence change replaces threonine, which is neutral and polar, with proline, which is neutral and non-polar, at codon 1602 of the SLX4 protein (p.Thr1602Pro). This variant is present in population databases (rs756198942, gnomAD 0.0009%). This variant has not been reported in the literature in individuals affected with SLX4-related conditions. ClinVar contains an entry for this variant (Variation ID: 1437419). An algorithm developed to predict the effect of missense changes on protein structure and function (PolyPhen-2) suggests that this variant is likely to be disruptive. In summary, the available evidence is currently insufficient to determine the role of this variant in disease. Therefore, it has been classified as a Variant of Uncertain Significance.

Fulgent Genetics
Classification: Uncertain significance for Fanconi anemia complementation group P. Last evaluated: 2024-04-29. Review status: criteria provided, single submitter. Criteria: ACMG Guidelines, 2015. Collection method: clinical testing. Allele origin: germline.

PreventionGenetics, part of Exact Sciences
Classification: Uncertain significance for SLX4-related condition. Last evaluated: 2023-02-28. Review status: criteria provided, single submitter. Criteria: ACMG Guidelines, 2015. Collection method: clinical testing. Allele origin: germline.
Comment: The SLX4 c.4804A>C variant is predicted to result in the amino acid substitution p.Thr1602Pro. To our knowledge, this variant has not been reported in the literature. This variant is reported in 0.00088% of alleles in individuals of European (Non-Finnish) descent in gnomAD. At this time, the clinical significance of this variant is uncertain due to the absence of conclusive functional and genetic evidence.

NM_032444.4(SLX4):c.4804A>C (p.Thr1602Pro)

Gene: SLX4 (SLX4 structure-specific endonuclease subunit; minus strand). Cytogenetic location: 16p13.3.
Variant type: single nucleotide variant.
Coding change: c.4804A>C on transcript NM_032444.4 (MANE Select); coding-DNA position 4804, A replaced by C.
Protein change: p.Thr1602Pro; replaces threonine 1602 with proline.
Molecular consequence: missense variant.
Genome position (GRCh38, 1-based): chr16:3,583,446, T>G on the plus strand (A>C on the coding strand, the complement: SLX4 is on the minus strand). VCF-style: chr16-3583446-T-G. GRCh37 (hg19) VCF-style: chr16-3633447-T-G.
Other names: c.4804A>C (NM_032444.3, NM_032444.2); short protein forms T1602P.
Identifiers: ClinVar variation 1437419 (VCV001437419.9), dbSNP rs756198942, ClinGen allele CA7865504.
Genomic context (GRCh38, chr16:3,583,446, plus strand): 5'-GCAACAGCGGCTGTGAGGACTGGCTCTCGTCCTCGGAGTCTGAGTCCAGGGTCTGGTGAG[T>G]GTACTGGAATATCTCCTTCAGCTTCAGAACCATCTGGCGTTTAGGCAGAGGGCGGACTCC-3'
Protein context (NP_115820.2, residues 1592-1612): VLKLKEIFQY[Thr1602Pro]HQTLDSDSED